The following is an entry in ClinVar:

ClinVar aggregate classification (germline): Uncertain significance (1 of 4 stars; one submission).

Conditions:
Cone-rod dystrophy 6 (CORD6). Also called: RETINAL CONE DYSTROPHY 2; Cone dystrophy progressive. Identifiers: Orphanet 1872, MedGen C1866293, MONDO:0011143, OMIM 601777.
Leber congenital amaurosis 1 (LCA1). Also called: RETINAL BLINDNESS, CONGENITAL; AMAUROSIS CONGENITA OF LEBER I; Congenital absence of the rods and cones; Leber's congenital tapetoretinal degeneration; Leber's congenital tapetoretinal dysplasia. Identifiers: Orphanet 65, MedGen C2931258, MONDO:0008764, OMIM 204000.

Submission:

Labcorp Genetics (formerly Invitae), Labcorp
Classification: Uncertain significance for Leber congenital amaurosis 1; Cone-rod dystrophy 6. Last evaluated: 2024-10-26. Review status: criteria provided, single submitter. Criteria: Invitae Variant Classification Sherloc (09022015). Collection method: clinical testing. Allele origin: germline.
Comment: This sequence change replaces proline, which is neutral and non-polar, with leucine, which is neutral and non-polar, at codon 422 of the GUCY2D protein (p.Pro422Leu). This variant is not present in population databases (gnomAD no frequency). This variant has not been reported in the literature in individuals affected with GUCY2D-related conditions. ClinVar contains an entry for this variant (Variation ID: 1446040). Invitae Evidence Modeling of protein sequence and biophysical properties (such as structural, functional, and spatial information, amino acid conservation, physicochemical variation, residue mobility, and thermodynamic stability) indicates that this missense variant is not expected to disrupt GUCY2D protein function with a negative predictive value of 80%. In summary, the available evidence is currently insufficient to determine the role of this variant in disease. Therefore, it has been classified as a Variant of Uncertain Significance.

NM_000180.4(GUCY2D):c.1265C>T (p.Pro422Leu)

Gene: GUCY2D (guanylate cyclase 2D, retinal; plus strand). Cytogenetic location: 17p13.1.
Variant type: single nucleotide variant.
Coding change: c.1265C>T on transcript NM_000180.4 (MANE Select); coding-DNA position 1265, C replaced by T.
Protein change: p.Pro422Leu; replaces proline 422 with leucine.
Molecular consequence: missense variant.
Genome position (GRCh38, 1-based): chr17:8,006,601, C>T. VCF-style: chr17-8006601-C-T. GRCh37 (hg19) VCF-style: chr17-7909919-C-T.
Other names: short protein forms P422L.
Identifiers: ClinVar variation 1446040 (VCV001446040.7), dbSNP rs2151800552, ClinGen allele CA397948142.